The following is an entry in ClinVar:

ClinVar aggregate classification (germline): Conflicting classifications of pathogenicity. Review status: criteria provided, conflicting classifications (1 of 4 stars). 3 submissions from 3 submitters: Likely pathogenic (2); Uncertain significance (1). Last evaluated 2025-12-30.

Conditions:
ERCC2-related disorder. Also called: ERCC2-related conditions; ERCC2-related condition; ERCC2-related disorders. Identifiers: MedGen CN239291.
Cerebrooculofacioskeletal syndrome 2 (COFS2). Identifiers: MedGen C1853102, MONDO:0012553, OMIM 610756.
Xeroderma pigmentosum, group D (XPD). Also called: XERODERMA PIGMENTOSUM, COMPLEMENTATION GROUP D; XERODERMA PIGMENTOSUM IV; XP, GROUP D; XP, GROUP H; ERCC2-Related Xeroderma Pigmentosum. Identifiers: MedGen C0268138, MONDO:0010212, OMIM 278730.
Trichothiodystrophy 1, photosensitive (TTD1). Also called: TAY SYNDROME; TRICHOTHIODYSTROPHY WITH CONGENITAL ICHTHYOSIS; PIBIDS SYNDROME. Identifiers: Orphanet 33364, MedGen C1866504, MONDO:0011125, OMIM 601675.

Allele frequency attached by ClinVar (database versions not stated): TOPMed below 0.00001; ExAC 0.00003; gnomAD 0.00003; gnomAD exomes 0.00003.
gnomAD v4.1: 45 of 1,613,926 alleles (0.0028%); highest among the groups gnomAD compares: Non-Finnish European, 0.0038%; no homozygotes.

Submissions (3):

Labcorp Genetics (formerly Invitae), Labcorp
Classification: Likely pathogenic. Last evaluated: 2025-12-30. Review status: criteria provided, single submitter. Criteria: Invitae Variant Classification Sherloc (09022015). Collection method: clinical testing. Allele origin: germline.
Comment: This sequence change replaces threonine, which is neutral and polar, with proline, which is neutral and non-polar, at codon 709 of the ERCC2 protein (p.Thr709Pro). This variant is present in population databases (rs758758729, gnomAD 0.006%). This missense change has been observed in individual(s) with clinical features of ERCC2-related disorders and/or clinical features of xeroderma pigmentosum (PMID: 33733458; internal data). In at least one individual the data is consistent with being in trans (on the opposite chromosome) from a pathogenic variant. ClinVar contains an entry for this variant (Variation ID: 2894087). Invitae Evidence Modeling of protein sequence and biophysical properties (such as structural, functional, and spatial information, amino acid conservation, physicochemical variation, residue mobility, and thermodynamic stability) indicates that this missense variant is not expected to disrupt ERCC2 protein function with a negative predictive value of 80%. In summary, the currently available evidence indicates that the variant is pathogenic, but additional data are needed to prove that conclusively. Therefore, this variant has been classified as Likely Pathogenic.

Myriad Genetics, Inc.
Classification: Uncertain significance for ERCC2-related disorder. Last evaluated: 2025-09-30. Review status: criteria provided, single submitter. Criteria: Myriad Autosomal Dominant, Autosomal Recessive and X-Linked Classification Criteria (2023). Collection method: clinical testing. Allele origin: unknown.
Comment: NM_000400.3(ERCC2):c.2125A>C(T709P) is a missense variant classified as a variant of uncertain significance in the context of ERCC2-related disorders. T709P has been observed in a case with relevant disease (PMID: 33733458). Relevant functional assessments of this variant are not available in the literature. T709P has been observed in referenced population frequency databases. In summary, there is insufficient evidence to classify NM_000400.3(ERCC2):c.2125A>C(T709P) as pathogenic or benign. Please note: this variant was assessed in the context of healthy population screening.

Fulgent Genetics
Classification: Likely pathogenic for Xeroderma pigmentosum, group D; Trichothiodystrophy 1, photosensitive; Cerebrooculofacioskeletal syndrome 2. Last evaluated: 2024-06-17. Review status: criteria provided, single submitter. Criteria: ACMG Guidelines, 2015. Collection method: clinical testing. Allele origin: germline.

Literature cited by the submitters: PubMed 33733458 (cited by Labcorp Genetics (formerly Invitae), Labcorp and Myriad Genetics, Inc.).

NM_000400.4(ERCC2):c.2125A>C (p.Thr709Pro)

Gene: ERCC2 (ERCC excision repair 2, TFIIH core complex helicase subunit; minus strand). Cytogenetic location: 19q13.32.
Variant type: single nucleotide variant.
Coding change: c.2125A>C on transcript NM_000400.4 (MANE Select); coding-DNA position 2125, A replaced by C.
Protein change: p.Thr709Pro; replaces threonine 709 with proline.
Molecular consequence: missense variant.
Genome position (GRCh38, 1-based): chr19:45,352,274, T>G on the plus strand (A>C on the coding strand, the complement: ERCC2 is on the minus strand). VCF-style: chr19-45352274-T-G. GRCh37 (hg19) VCF-style: chr19-45855532-T-G.
Other names: short protein forms T709P.
Identifiers: ClinVar variation 2894087 (VCV002894087.5), dbSNP rs758758729, ClinGen allele CA9512879.